The following is an entry in ClinVar:

ClinVar aggregate classification (germline): Uncertain significance (1 of 4 stars; one submission).

Submission:

GeneDx
Classification: Uncertain significance. Last evaluated: 2023-03-01. Review status: criteria provided, single submitter. Criteria: GeneDx Variant Classification Process June 2021. Collection method: clinical testing. Allele origin: germline. Affected: yes.
Comment: In silico analysis supports that this missense variant has a deleterious effect on protein structure/function; Has not been previously published as pathogenic or benign to our knowledge; Variants in candidate genes are classified as variants of uncertain significance in accordance with ACMG guidelines (Richards et al., 2015)

NM_014370.4(SRPK3):c.1345A>G (p.Thr449Ala)

Gene: SRPK3 (SRSF protein kinase 3; plus strand). Cytogenetic location: Xq28.
Variant type: single nucleotide variant.
Coding change: c.1345A>G on transcript NM_014370.4 (MANE Select); coding-DNA position 1345, A replaced by G.
Protein change: p.Thr449Ala; replaces threonine 449 with alanine.
Molecular consequence: missense variant.
Genome position (GRCh38, 1-based): chrX:153,784,846, A>G. VCF-style: chrX-153784846-A-G. GRCh37 (hg19) VCF-style: chrX-153050301-A-G.
Other names: c.1342A>G, p.Thr448Ala (NM_001170760.2); c.1243A>G, p.Thr415Ala (NM_001170761.2); short protein forms T415A, T448A, T449A.
Identifiers: ClinVar variation 3600672 (VCV003600672.1).